The following is an entry in ClinVar:

ClinVar aggregate classification (germline): Uncertain significance. Review status: criteria provided, multiple submitters, no conflicts (2 of 4 stars). 2 submissions from 2 submitters: Uncertain significance (2). Last evaluated 2026-07-13.

Conditions:
ADCY3-related disorder. Also called: ADCY3-related condition.

Allele frequency attached by ClinVar (database versions not stated): TOPMed 0.00014; ESP Exome Variant Server 0.00015; gnomAD exomes 0.00016; gnomAD 0.00017; ExAC 0.00018.
gnomAD v4.1: 250 of 1,614,098 alleles (0.015%); highest among the groups gnomAD compares: Non-Finnish European, 0.019%; no homozygotes.

Submissions (2):

PreventionGenetics, part of Exact Sciences
Classification: Uncertain significance for ADCY3-related condition. Last evaluated: 2026-07-13. Review status: criteria provided, single submitter. Criteria: ACMG Guidelines, 2015. Collection method: clinical testing. Allele origin: germline.
Comment: The ADCY3 c.2659C>T variant is predicted to result in the amino acid substitution p.Arg887Cys. To our knowledge, this variant has not been reported in the literature. This variant is reported in 0.026% of alleles in individuals of European (Non-Finnish) descent in gnomAD. At this time, the clinical significance of this variant is uncertain due to the absence of conclusive functional and genetic evidence.

Blueprint Genetics
Classification: Uncertain significance. Last evaluated: 2024-03-11. Review status: criteria provided, single submitter. Criteria: ACMG Guidelines, 2015. Collection method: clinical testing. Allele origin: germline.

NM_004036.5(ADCY3):c.2656C>T (p.Arg886Cys)

Gene: ADCY3 (adenylate cyclase 3; minus strand). Cytogenetic location: 2p23.3.
Variant type: single nucleotide variant.
Coding change: c.2656C>T on transcript NM_004036.5 (MANE Select); coding-DNA position 2656, C replaced by T.
Protein change: p.Arg886Cys; replaces arginine 886 with cysteine.
Molecular consequence: missense variant.
Genome position (GRCh38, 1-based): chr2:24,824,458, G>A on the plus strand (C>T on the coding strand, the complement: ADCY3 is on the minus strand). VCF-style: chr2-24824458-G-A. GRCh37 (hg19) VCF-style: chr2-25047327-G-A.
Other names: c.2659C>T, p.Arg887Cys (NM_001320613.2); c.2722C>T, p.Arg908Cys (NM_001377128.1); c.2518C>T, p.Arg840Cys (NM_001377129.1); c.2251C>T, p.Arg751Cys (NM_001377130.1); c.1933C>T, p.Arg645Cys (NM_001377131.1); c.2656C>T, p.Arg886Cys (NM_001377132.1); short protein forms R645C, R751C, R840C, R886C, R887C, R908C.
Identifiers: ClinVar variation 3038767 (VCV003038767.4), dbSNP rs199524620, ClinGen allele CA1553651.
Genomic context (GRCh38, chr2:24,824,458, plus strand): 5'-CCAGGAAATGGCGTGCCACGTGCTCAGGCAACATGTTGGTGACCAAGGCCTCGTTCCAGC[G>A]TCGCATCTCATAGACACGTTCCTTCTGGTCGTGGACCTCAATCTTCCACAAGAAAAGTGT-3'
Protein context (NP_004027.2, residues 876-896): DQKERVYEMR[Arg886Cys]WNEALVTNML